The following is an entry in ClinVar:

ClinVar aggregate classification (germline): Uncertain significance (1 of 4 stars; one submission).

Conditions:
Neonatal-onset encephalopathy with rigidity and seizures. Also called: Lethal neonatal spasticity-epileptic encephalopathy syndrome. Identifiers: Orphanet 435845, MedGen C3281029, MONDO:0013784, OMIM 614498.

Submission:

Labcorp Genetics (formerly Invitae), Labcorp
Classification: Uncertain significance for Neonatal-onset encephalopathy with rigidity and seizures. Last evaluated: 2021-08-31. Review status: criteria provided, single submitter. Criteria: Invitae Variant Classification Sherloc (09022015). Collection method: clinical testing. Allele origin: germline.
Comment: This variant, c.1932_1933delinsGA, is a complex sequence change that results in the deletion of aspartic acid and insertion of asparagine amino acid(s) in the BRAT1 protein (p.Asp645Asn). The frequency data for this variant in the population databases is not available, as this variant may be reported as separate entries in the ExAC database. This variant has not been reported in the literature in individuals affected with BRAT1-related conditions. Experimental studies and prediction algorithms are not available or were not evaluated, and the effect of this variant on mRNA splicing is currently unknown. In summary, the available evidence is currently insufficient to determine the role of this variant in disease. Therefore, it has been classified as a Variant of Uncertain Significance.

NM_152743.4(BRAT1):c.1932_1933delinsGA (p.Asp645Asn)

Gene: BRAT1 (BRCA1 associated ATM activator 1; minus strand). Cytogenetic location: 7p22.3.
Variant type: Indel.
Coding change: c.1932_1933delinsGA on transcript NM_152743.4 (MANE Select); coding-DNA positions 1932 to 1933, AG replaced by GA.
Protein change: p.Asp645Asn; replaces aspartic acid 645 with asparagine.
Molecular consequence: missense variant. On other transcripts: non-coding transcript variant (1).
Genome position (GRCh38, 1-based): chr7:2,538,602-2,538,603, CT replaced by TC on the plus strand (AG replaced by GA on the coding strand, the reverse complement: BRAT1 is on the minus strand). VCF-style: chr7-2538602-CT-TC. GRCh37 (hg19) VCF-style: chr7-2578236-CT-TC.
Other names: c.2112_2113delinsGA, p.Asp705Asn (NM_001350626.2); c.1407_1408delinsGA, p.Asp470Asn (NM_001350627.2); short protein forms D470N, D645N, D705N.
Identifiers: ClinVar variation 1016016 (VCV001016016.6), dbSNP rs1778878177, ClinGen allele CA1683198567.